The following is an entry in ClinVar:

ClinVar aggregate classification (germline): Uncertain significance. Review status: criteria provided, multiple submitters, no conflicts (2 of 4 stars). 4 submissions from 4 submitters: Uncertain significance (3). 1 of the submissions does not count toward it. Last evaluated 2023-07-03.

Conditions:
Inborn genetic diseases. Identifiers: MedGen C0950123, MeSH D030342.
Enhanced S-cone syndrome (ESCS). Identifiers: Orphanet 53540, MedGen C1849394, MONDO:0100288, MONDO:0009989.

Allele frequency attached by ClinVar (database versions not stated): TOPMed 0.00001.
gnomAD v4.1: 27 of 1,553,156 alleles (0.0017%); highest among the groups gnomAD compares: Non-Finnish European, 0.0023%; no homozygotes.

Submissions (4):

Labcorp Genetics (formerly Invitae), Labcorp
Classification: Uncertain significance. Last evaluated: 2023-07-03. Review status: criteria provided, single submitter. Criteria: Invitae Variant Classification Sherloc (09022015). Collection method: clinical testing. Allele origin: germline.
Comment: ClinVar contains an entry for this variant (Variation ID: 938992). Advanced modeling of protein sequence and biophysical properties (such as structural, functional, and spatial information, amino acid conservation, physicochemical variation, residue mobility, and thermodynamic stability) performed at Invitae indicates that this missense variant is not expected to disrupt NR2E3 protein function. In summary, the available evidence is currently insufficient to determine the role of this variant in disease. Therefore, it has been classified as a Variant of Uncertain Significance. This variant is not present in population databases (gnomAD no frequency). This variant has not been reported in the literature in individuals affected with NR2E3-related conditions. This sequence change replaces proline, which is neutral and non-polar, with glutamine, which is neutral and polar, at codon 150 of the NR2E3 protein (p.Pro150Gln).

Ambry Genetics
Classification: Uncertain significance for Inborn genetic diseases. Last evaluated: 2022-10-03. Review status: criteria provided, single submitter. Criteria: Ambry Variant Classification Scheme 2023. Collection method: clinical testing. Allele origin: germline.

Blueprint Genetics
Classification: Uncertain significance. Last evaluated: 2021-01-22. Review status: criteria provided, single submitter. Criteria: ACMG Guidelines, 2015. Collection method: clinical testing. Allele origin: germline.

Natera, Inc.
Classification: Uncertain significance for Enhanced S cone syndrome. Last evaluated: 2020-11-06. Review status: no assertion criteria provided. Collection method: clinical testing. Allele origin: germline. Not counted in ClinVar's aggregate classification.

NM_014249.4(NR2E3):c.449C>A (p.Pro150Gln)

Gene: NR2E3 (nuclear receptor subfamily 2 group E member 3; plus strand). Cytogenetic location: 15q23.
Variant type: single nucleotide variant.
Coding change: c.449C>A on transcript NM_014249.4 (MANE Select); coding-DNA position 449, C replaced by A.
Protein change: p.Pro150Gln; replaces proline 150 with glutamine.
Molecular consequence: missense variant.
Genome position (GRCh38, 1-based): chr15:71,812,054, C>A. VCF-style: chr15-71812054-C-A. GRCh37 (hg19) VCF-style: chr15-72104394-C-A.
Other names: c.449C>A (NM_014249.2); c.449C>A, p.Pro150Gln (NM_016346.4); short protein forms P150Q.
Identifiers: ClinVar variation 938992 (VCV000938992.9), dbSNP rs777140312, ClinGen allele CA393034445.
Genomic context (GRCh38, chr15:71,812,054, plus strand): 5'-TCCACCTGGACAGCATGGAGTCCAACACTGAGTCCCGGCCGGAGTCCCTGGTGGCTCCCC[C>A]GGCCCCGGCAGGGCGCAGCCCACGGGGCCCCACACCCATGTCTGCAGCCAGAGCCCTGGG-3'
Protein context (NP_055064.1, residues 140-160): ESRPESLVAP[Pro150Gln]APAGRSPRGP